The following is an entry in ClinVar:

ClinVar aggregate classification (germline): Uncertain significance. Review status: criteria provided, single submitter (1 of 4 stars). 2 submissions from 2 submitters: Uncertain significance (1). 1 of the submissions does not count toward it. Last evaluated 2022-04-07.

Conditions:
Retinal dystrophy. Also called: Inherited retinal dystrophy. Identifiers: Orphanet 71862, MedGen C0854723, MeSH D058499, MONDO:0019118, HP:0000556.

Submissions (2):

Labcorp Genetics (formerly Invitae), Labcorp
Classification: Uncertain significance. Last evaluated: 2022-04-07. Review status: criteria provided, single submitter. Criteria: Invitae Variant Classification Sherloc (09022015). Collection method: clinical testing. Allele origin: germline.
Comment: This variant has not been reported in the literature in individuals affected with ACBD5-related conditions. ClinVar contains an entry for this variant (Variation ID: 948430). Experimental studies and prediction algorithms are not available or were not evaluated, and the functional significance of this variant is currently unknown. In summary, the available evidence is currently insufficient to determine the role of this variant in disease. Therefore, it has been classified as a Variant of Uncertain Significance. This variant is present in population databases (rs754724965, gnomAD 0.004%). This variant, c.52_54del, results in the deletion of 1 amino acid(s) of the ACBD5 protein (p.Cys18del), but otherwise preserves the integrity of the reading frame.

Institute of Human Genetics, Univ. Regensburg, Univ. Regensburg
Classification: Uncertain significance for Retinal dystrophy. Last evaluated: 2022-01-01. Review status: no assertion criteria provided. Criteria: ACMG Guidelines, 2015. Collection method: clinical testing. Allele origin: germline. Affected: yes. Not counted in ClinVar's aggregate classification.

NM_145698.5(ACBD5):c.43TGC[3] (p.Cys18del)

Genes: ACBD5 (acyl-CoA binding domain containing 5; minus strand), LOC130003557 (ATAC-STARR-seq lymphoblastoid active region 3182; plus strand). Cytogenetic location: 10p12.1.
Variant type: Microsatellite.
Coding change: c.43TGC[3] on transcript NM_145698.5 (MANE Select); three copies in a row of the 3-base unit TGC starting at c.43; the reference has four copies in a row; one copy, 3 bases deleted; also written c.52_54del.
Protein change: p.Cys18del; deletes cysteine 18.
Molecular consequence: inframe deletion. On other transcripts: 5 prime UTR variant (16).
Genome position (GRCh38, 1-based): chr10:27,240,446-27,240,448, GCA deleted on the plus strand (TGC on the coding strand, the reverse complement: ACBD5 is on the minus strand); deleting any 3 consecutive bases within chr10:27,240,446-27,240,457 gives the same sequence; the position shown is the placement nearest the transcript's 3' end. VCF-style (leftmost placement, unchanged base first): chr10-27240445-GGCA-G. GRCh37 (hg19) VCF-style: chr10-27529374-GGCA-G.
Other names: c.-63TGC[3] (NM_001042473.4, NM_001352574.2, NM_001352575.2 and 6 more transcripts); c.37TGC[3], p.Cys16del (NM_001271512.3, NM_001352571.1, NM_001352586.1 and 1 more transcripts); c.-164TGC[3] (NM_001301251.2, NM_001301252.2, NM_001301253.2 and 4 more transcripts); c.64TGC[3], p.Cys25del (NM_001352568.1, NM_001352572.1); c.43TGC[3], p.Cys18del (NM_001352569.1, NM_001352570.1, NM_001352573.1 and 2 more transcripts); c.52_54del (NM_145698.5); short protein forms C25del, C16del, C18del.
Identifiers: ClinVar variation 948430 (VCV000948430.11), dbSNP rs754724965, ClinGen allele CA5451044.
Genomic context (GRCh38, chr10:27,240,445, plus strand): 5'-TGTCCGCCATCTCCAGCTGCCAGTGTTGGCCCCGGTCCCAAGGTCTGTCGGCGGGAATCA[GGCA>G]GCAGCAGCACCAGCTTTCCCAAGAGCCTGCATGAAACTGGAACATGGAGCGCAGCCGCGG-3'